The following is an entry in ClinVar:

NM_006031.6(PCNT):c.5848C>T (p.Arg1950Trp)

Gene: PCNT (pericentrin; plus strand). Cytogenetic location: 21q22.3.
Variant type: single nucleotide variant.
Coding change: c.5848C>T on transcript NM_006031.6 (MANE Select); coding-DNA position 5848, C replaced by T.
Protein change: p.Arg1950Trp; replaces arginine 1950 with tryptophan.
Molecular consequence: missense variant.
Genome position (GRCh38, 1-based): chr21:46,411,921, C>T. VCF-style: chr21-46411921-C-T. GRCh37 (hg19) VCF-style: chr21-47831835-C-T.
Other names: c.5494C>T, p.Arg1832Trp (NM_001315529.2); short protein forms R1832W, R1950W.
Identifiers: ClinVar variation 3043754 (VCV003043754.3), dbSNP rs765903758, ClinGen allele CA10080100.
Genomic context (GRCh38, chr21:46,411,921, plus strand): 5'-AGCCGCCAGCTGCAGGTGCTGCACCAGCGGTTCCTGAGGTGCCAGGTGGAGCTGGACAGG[C>T]GGCAGGCCCGCAGAGCCACAGCTCACACACGGGTGCCCGGGGCCCACCCACAGCCTCGCA-3'
Protein context (NP_006022.3, residues 1940-1960): FLRCQVELDR[Arg1950Trp]QARRATAHTR

ClinVar aggregate classification (germline): Uncertain significance. Review status: criteria provided, single submitter (1 of 4 stars). 2 submissions from 2 submitters: Uncertain significance (1). 1 of the submissions does not count toward it. Last evaluated 2023-12-20.

Conditions:
Inborn genetic diseases. Identifiers: MedGen C0950123, MeSH D030342.
PCNT-related disorder. Also called: PCNT-related condition.

Allele frequency attached by ClinVar (database versions not stated): ExAC 0.00004; gnomAD 0.00005; gnomAD exomes 0.00009; TOPMed 0.00010.
gnomAD v4.1: 135 of 1,589,138 alleles (0.0085%); highest among the groups gnomAD compares: Non-Finnish European, 0.011%; no homozygotes.

Submissions (2):

Ambry Genetics
Classification: Uncertain significance for Inborn genetic diseases. Last evaluated: 2023-12-20. Review status: criteria provided, single submitter. Criteria: Ambry Variant Classification Scheme 2023. Collection method: clinical testing. Allele origin: germline.

PreventionGenetics, part of Exact Sciences
Classification: Uncertain significance for PCNT-related condition. Last evaluated: 2024-03-06. Review status: no assertion criteria provided. Collection method: clinical testing. Allele origin: germline. Not counted in ClinVar's aggregate classification.
Comment: The PCNT c.5848C>T variant is predicted to result in the amino acid substitution p.Arg1950Trp. To our knowledge, this variant has not been reported in the literature. This variant is reported in 0.0096% of alleles in individuals of African descent in gnomAD. At this time, the clinical significance of this variant is uncertain due to the absence of conclusive functional and genetic evidence.